The following is an entry in ClinVar:

ClinVar aggregate classification (germline): Uncertain significance. Review status: criteria provided, multiple submitters, no conflicts (2 of 4 stars). 2 submissions from 2 submitters: Uncertain significance (2). Last evaluated 2025-06-22.

Conditions:
Hereditary cancer-predisposing syndrome. Also called: Hereditary neoplastic syndrome; Neoplastic Syndromes, Hereditary; Tumor predisposition; Hereditary Cancer Syndrome. Identifiers: Orphanet 140162, MedGen C0027672, MeSH D009386, MONDO:0015356.
Fanconi anemia complementation group J. Also called: BRIP1-Related Fanconi Anemia. Identifiers: Orphanet 84, MedGen C1836860, MONDO:0012187, OMIM 609054.
Familial cancer of breast. Also called: BREAST CANCER, FAMILIAL; Hereditary breast cancer; hereditary breast carcinoma. Identifiers: Orphanet 227535, MedGen C0346153, MONDO:0016419, OMIM 114480. Disease mechanism: loss of function.

Allele frequency attached by ClinVar (database versions not stated): gnomAD exomes below 0.00001; TOPMed below 0.00001.
gnomAD v4.1: 1 of 1,610,720 alleles (0.000062%); highest among the groups gnomAD compares: East Asian, 0.0022%; no homozygotes.

Submissions (2):

Labcorp Genetics (formerly Invitae), Labcorp
Classification: Uncertain significance for Familial cancer of breast; Fanconi anemia complementation group J. Last evaluated: 2025-06-22. Review status: criteria provided, single submitter. Criteria: Invitae Variant Classification Sherloc (09022015). Collection method: clinical testing. Allele origin: germline.
Comment: This sequence change replaces valine, which is neutral and non-polar, with glycine, which is neutral and non-polar, at codon 457 of the BRIP1 protein (p.Val457Gly). This variant is not present in population databases (gnomAD no frequency). This variant has not been reported in the literature in individuals affected with BRIP1-related conditions. ClinVar contains an entry for this variant (Variation ID: 1040821). Invitae Evidence Modeling of protein sequence and biophysical properties (such as structural, functional, and spatial information, amino acid conservation, physicochemical variation, residue mobility, and thermodynamic stability) indicates that this missense variant is not expected to disrupt BRIP1 protein function with a negative predictive value of 95%. In summary, the available evidence is currently insufficient to determine the role of this variant in disease. Therefore, it has been classified as a Variant of Uncertain Significance.

Ambry Genetics
Classification: Uncertain significance for Hereditary cancer-predisposing syndrome. Last evaluated: 2021-10-19. Review status: criteria provided, single submitter. Criteria: Ambry Variant Classification Scheme 2023. Collection method: clinical testing. Allele origin: germline.
Comment: The p.V457G variant (also known as c.1370T>G), located in coding exon 9 of the BRIP1 gene, results from a T to G substitution at nucleotide position 1370. The valine at codon 457 is replaced by glycine, an amino acid with dissimilar properties. This amino acid position is well conserved in available vertebrate species. In addition, this alteration is predicted to be tolerated by in silico analysis. Since supporting evidence is limited at this time, the clinical significance of this alteration remains unclear.

NM_032043.3(BRIP1):c.1370T>G (p.Val457Gly)

Gene: BRIP1 (BRCA1 interacting DNA helicase 1; minus strand). Cytogenetic location: 17q23.2.
Variant type: single nucleotide variant.
Coding change: c.1370T>G on transcript NM_032043.3 (MANE Select); coding-DNA position 1370, T replaced by G.
Protein change: p.Val457Gly; replaces valine 457 with glycine.
Molecular consequence: missense variant.
Genome position (GRCh38, 1-based): chr17:61,793,700, A>C on the plus strand (T>G on the coding strand, the complement: BRIP1 is on the minus strand). VCF-style: chr17-61793700-A-C. GRCh37 (hg19) VCF-style: chr17-59871061-A-C.
Other names: short protein forms V457G.
Identifiers: ClinVar variation 1040821 (VCV001040821.11), dbSNP rs1369274888, ClinGen allele CA400482261.